The following is an entry in ClinVar:

ClinVar aggregate classification (germline): Likely pathogenic. Review status: criteria provided, multiple submitters, no conflicts (2 of 4 stars). 2 submissions from 2 submitters: Likely pathogenic (2). Last evaluated 2025-10-24.

Conditions:
Sialidosis. Identifiers: Orphanet 309294, MedGen C0268226, MONDO:0017734.

Allele frequency attached by ClinVar (database versions not stated): gnomAD exomes below 0.00001.
gnomAD v4.1: 3 of 1,612,898 alleles (0.00019%); highest among the groups gnomAD compares: Non-Finnish European, 0.00025%; no homozygotes.

Submissions (2):

Women's Health and Genetics/Laboratory Corporation of America, LabCorp
Classification: Likely pathogenic for Sialidosis. Last evaluated: 2025-10-24. Review status: criteria provided, single submitter. Criteria: LabCorp Variant Classification Summary - May 2015. Collection method: clinical testing. Allele origin: germline.
Comment: Variant summary: NEU1 c.839G>A (p.Arg280Gln) results in a conservative amino acid change located in the Sialidase (IPR01040) of the encoded protein sequence. Algorithms developed to predict the effect of missense changes on protein structure and function are either unavailable or do not agree on the potential impact of this missense change. The variant was absent in 246414 control chromosomes. c.839G>A has been observed in individuals affected with Sialidosis (Caciotti_2020, Panigrahi_2024). These data indicate that the variant may be associated with disease. To our knowledge, no experimental evidence demonstrating an impact on protein function has been reported. The following publications have been ascertained in the context of this evaluation (PMID: 31711734, 38296756). ClinVar contains an entry for this variant (Variation ID: 3251791). Based on the evidence outlined above, the variant was classified as likely pathogenic.

Labcorp Genetics (formerly Invitae), Labcorp
Classification: Likely pathogenic. Last evaluated: 2024-08-15. Review status: criteria provided, single submitter. Criteria: Invitae Variant Classification Sherloc (09022015). Collection method: clinical testing. Allele origin: germline.
Comment: This sequence change replaces arginine, which is basic and polar, with glutamine, which is neutral and polar, at codon 280 of the NEU1 protein (p.Arg280Gln). This variant is not present in population databases (gnomAD no frequency). This missense change has been observed in individual(s) with sialidosis type I (PMID: 31711734). In at least one individual the data is consistent with being in trans (on the opposite chromosome) from a pathogenic variant. Invitae Evidence Modeling of protein sequence and biophysical properties (such as structural, functional, and spatial information, amino acid conservation, physicochemical variation, residue mobility, and thermodynamic stability) indicates that this missense variant is expected to disrupt NEU1 protein function with a positive predictive value of 80%. In summary, the currently available evidence indicates that the variant is pathogenic, but additional data are needed to prove that conclusively. Therefore, this variant has been classified as Likely Pathogenic.

Literature cited by the submitters: PubMed 31711734 (cited by Women's Health and Genetics/Laboratory Corporation of America, LabCorp and Labcorp Genetics (formerly Invitae), Labcorp); PubMed 38296756 (cited by Women's Health and Genetics/Laboratory Corporation of America, LabCorp).

NM_000434.4(NEU1):c.839G>A (p.Arg280Gln)

Gene: NEU1 (neuraminidase 1; minus strand). Cytogenetic location: 6p21.33.
Variant type: single nucleotide variant.
Coding change: c.839G>A on transcript NM_000434.4 (MANE Select); coding-DNA position 839, G replaced by A.
Protein change: p.Arg280Gln; replaces arginine 280 with glutamine.
Molecular consequence: missense variant.
Genome position (GRCh38, 1-based): chr6:31,860,224, C>T on the plus strand (G>A on the coding strand, the complement: NEU1 is on the minus strand). VCF-style: chr6-31860224-C-T. GRCh37 (hg19) VCF-style: chr6-31828001-C-T.
Other names: short protein forms R280Q.
Identifiers: ClinVar variation 3251791 (VCV003251791.5), dbSNP rs2481395324.